The following is an entry in ClinVar:

ClinVar aggregate classification (germline): Uncertain significance (1 of 4 stars; one submission).

gnomAD v4.1: 7 of 1,613,830 alleles (0.00043%); highest among the groups gnomAD compares: East Asian, 0.0022%; no homozygotes.

Submission:

Labcorp Genetics (formerly Invitae), Labcorp
Classification: Uncertain significance. Last evaluated: 2024-09-27. Review status: criteria provided, single submitter. Criteria: Invitae Variant Classification Sherloc (09022015). Collection method: clinical testing. Allele origin: germline.
Comment: This sequence change replaces aspartic acid, which is acidic and polar, with asparagine, which is neutral and polar, at codon 2872 of the RNF213 protein (p.Asp2872Asn). This variant is not present in population databases (gnomAD no frequency). This variant has not been reported in the literature in individuals affected with RNF213-related conditions. An algorithm developed to predict the effect of missense changes on protein structure and function (PolyPhen-2) suggests that this variant is likely to be tolerated. In summary, the available evidence is currently insufficient to determine the role of this variant in disease. Therefore, it has been classified as a Variant of Uncertain Significance.

NM_001256071.3(RNF213):c.8614G>A (p.Asp2872Asn)

Gene: RNF213 (ring finger protein 213; plus strand). Cytogenetic location: 17q25.3.
Variant type: single nucleotide variant.
Coding change: c.8614G>A on transcript NM_001256071.3 (MANE Select); coding-DNA position 8614, G replaced by A.
Protein change: p.Asp2872Asn; replaces aspartic acid 2872 with asparagine.
Molecular consequence: missense variant.
Genome position (GRCh38, 1-based): chr17:80,346,949, G>A. VCF-style: chr17-80346949-G-A. GRCh37 (hg19) VCF-style: chr17-78320749-G-A.
Other names: c.8761G>A, p.Asp2921Asn (NM_001410195.1, NM_020914.5); short protein forms D2872N, D2921N.
Identifiers: ClinVar variation 3604557 (VCV003604557.2).